The following is an entry in ClinVar:

ClinVar aggregate classification (germline): Uncertain significance (1 of 4 stars; one submission).

Allele frequency attached by ClinVar (database versions not stated): gnomAD exomes 0.00001.
gnomAD v4.1: 7 of 1,207,889 alleles (0.00058%); highest among the groups gnomAD compares: Non-Finnish European, 0.00078%; no homozygotes.

Submission:

GeneDx
Classification: Uncertain significance. Last evaluated: 2017-01-24. Review status: criteria provided, single submitter. Criteria: GeneDx Variant Classification (06012015). Collection method: clinical testing. Allele origin: germline. Affected: yes.
Comment: The P1120L variant in the BRWD3 gene has not been reported previously as a pathogenic variant, nor as a benign variant, to our knowledge. The P1120L variant is not observed in large population cohorts (Lek et al., 2016; 1000 Genomes Consortium et al., 2015; Exome Variant Server). The P1120L variant is a semi-conservative amino acid substitution, which may impact secondary protein structure as these residues differ in some properties. This substitution occurs at a position that is conserved in mammals. In silico analysis predicts this variant is probably damaging to the protein structure/function. We interpret P1120L as a variant of uncertain significance.

NM_153252.5(BRWD3):c.3359C>T (p.Pro1120Leu)

Gene: BRWD3 (bromodomain and WD repeat domain containing 3; minus strand). Cytogenetic location: Xq21.1.
Variant type: single nucleotide variant.
Coding change: c.3359C>T on transcript NM_153252.5 (MANE Select); coding-DNA position 3359, C replaced by T.
Protein change: p.Pro1120Leu; replaces proline 1120 with leucine.
Molecular consequence: missense variant.
Genome position (GRCh38, 1-based): chrX:80,691,945, G>A on the plus strand (C>T on the coding strand, the complement: BRWD3 is on the minus strand). VCF-style: chrX-80691945-G-A. GRCh37 (hg19) VCF-style: chrX-79947444-G-A.
Other names: short protein forms P1120L.
Identifiers: ClinVar variation 423040 (VCV000423040.2), dbSNP rs1064796188, ClinGen allele CA16621512.